The following is an entry in ClinVar:

ClinVar aggregate classification (germline): Conflicting classifications of pathogenicity. Review status: criteria provided, conflicting classifications (1 of 4 stars). 9 submissions from 7 submitters: Uncertain significance (7); Likely benign (1). 1 of the submissions does not count toward it. Last evaluated 2026-05-18.

Conditions:
RPGRIP1L-related disorder. Also called: RPGRIP1L-related disorders; RPGRIP1L-related condition. Identifiers: MedGen CN239416.
Joubert syndrome 7 (JBTS7). Identifiers: Orphanet 220497, MedGen C1969053, MONDO:0012694, OMIM 611560.
Joubert syndrome. Also called: Familial aplasia of the vermis; JOUBERT-BOLTSHAUSER SYNDROME. Identifiers: Orphanet 475, MedGen C5979921, MONDO:0018772.
Meckel-Gruber syndrome. Also called: DYSENCEPHALIA SPLANCHNOCYSTICA; GRUBER SYNDROME; Dysencephalia splachnocystica. Identifiers: Orphanet 564, MedGen C0265215, MONDO:0018921.
Meckel syndrome, type 5 (MKS5). Identifiers: Orphanet 564, MedGen C1969052, MONDO:0012695, OMIM 611561.
COACH syndrome 3. Identifiers: MedGen C5436841, MONDO:0030862, OMIM 619113.
Inborn genetic diseases. Identifiers: MedGen C0950123, MeSH D030342.
Nephronophthisis 8. Identifiers: MedGen CN119610.

Allele frequency attached by ClinVar (database versions not stated): gnomAD exomes 0.00002 and 0.00006; gnomAD 0.00003 and 0.00005; TOPMed 0.00003; ExAC 0.00006; 1000 Genomes Project 30x 0.00031; 1000 Genomes Project 0.00040.
gnomAD v4.1: 40 of 1,608,048 alleles (0.0025%); highest among the groups gnomAD compares: East Asian, 0.054%; no homozygotes.

Submissions (9):

PreventionGenetics, part of Exact Sciences
Classification: Uncertain significance for RPGRIP1L-related condition. Last evaluated: 2026-05-18. Review status: criteria provided, single submitter. Criteria: ACMG Guidelines, 2015. Collection method: clinical testing. Allele origin: germline.
Comment: The RPGRIP1L c.3839T>C variant is predicted to result in the amino acid substitution p.Phe1280Ser. To our knowledge, this variant has not been reported in the literature. This variant is reported in 0.076% of alleles in individuals of East Asian descent in gnomAD, which may be too frequent to be a primary cause of disease. Although we suspect that this variant may be benign, the clinical significance of this variant is currently classified as uncertain due to the absence of conclusive functional and genetic evidence.

Blueprint Genetics
Classification: Uncertain significance. Last evaluated: 2024-03-19. Review status: criteria provided, single submitter. Criteria: ACMG Guidelines, 2015. Collection method: clinical testing. Allele origin: germline.

Ambry Genetics
Classification: Likely benign for Inborn genetic diseases. Last evaluated: 2023-04-18. Review status: criteria provided, single submitter. Criteria: Ambry Variant Classification Scheme 2023. Collection method: clinical testing. Allele origin: germline.

Labcorp Genetics (formerly Invitae), Labcorp
Classification: Uncertain significance for Joubert syndrome; Meckel-Gruber syndrome. Last evaluated: 2022-08-16. Review status: criteria provided, single submitter. Criteria: Invitae Variant Classification Sherloc (09022015). Collection method: clinical testing. Allele origin: germline.
Comment: This sequence change replaces phenylalanine, which is neutral and non-polar, with serine, which is neutral and polar, at codon 1280 of the RPGRIP1L protein (p.Phe1280Ser). This variant is present in population databases (rs377402117, gnomAD 0.08%). This variant has not been reported in the literature in individuals affected with RPGRIP1L-related conditions. ClinVar contains an entry for this variant (Variation ID: 319647). Algorithms developed to predict the effect of missense changes on protein structure and function (SIFT, PolyPhen-2, Align-GVGD) all suggest that this variant is likely to be tolerated. In summary, the available evidence is currently insufficient to determine the role of this variant in disease. Therefore, it has been classified as a Variant of Uncertain Significance.

Fulgent Genetics
Classification: Uncertain significance for Joubert syndrome 7; Meckel syndrome, type 5; COACH syndrome 3. Last evaluated: 2021-07-02. Review status: criteria provided, single submitter. Criteria: ACMG Guidelines, 2015. Collection method: clinical testing. Allele origin: unknown.

Illumina Laboratory Services, Illumina
Classification: Uncertain significance for Nephronophthisis 8. Last evaluated: 2018-01-13. Review status: criteria provided, single submitter. Criteria: ICSL Variant Classification Criteria 13 December 2019. Collection method: clinical testing. Allele origin: germline.

Illumina Laboratory Services, Illumina
Classification: Uncertain significance for Joubert syndrome 7. Last evaluated: 2018-01-13. Review status: criteria provided, single submitter. Criteria: ICSL Variant Classification Criteria 13 December 2019. Collection method: clinical testing. Allele origin: germline.

Illumina Laboratory Services, Illumina
Classification: Uncertain significance for Meckel syndrome, type 5. Last evaluated: 2018-01-13. Review status: criteria provided, single submitter. Criteria: ICSL Variant Classification Criteria 13 December 2019. Collection method: clinical testing. Allele origin: germline.

Natera, Inc.
Classification: Uncertain significance for Joubert syndrome. Last evaluated: 2019-11-11. Review status: no assertion criteria provided. Collection method: clinical testing. Allele origin: germline. Not counted in ClinVar's aggregate classification.

NM_015272.5(RPGRIP1L):c.3839T>C (p.Phe1280Ser)

Gene: RPGRIP1L (RPGRIP1 like; minus strand). Cytogenetic location: 16q12.2.
Variant type: single nucleotide variant.
Coding change: c.3839T>C on transcript NM_015272.5 (MANE Select); coding-DNA position 3839, T replaced by C.
Protein change: p.Phe1280Ser; replaces phenylalanine 1280 with serine.
Molecular consequence: missense variant.
Genome position (GRCh38, 1-based): chr16:53,602,185, A>G on the plus strand (T>C on the coding strand, the complement: RPGRIP1L is on the minus strand). VCF-style: chr16-53602185-A-G. GRCh37 (hg19) VCF-style: chr16-53636097-A-G.
Other names: c.3839T>C (NM_015272.4); c.3599T>C, p.Phe1200Ser (NM_001127897.4); c.3701T>C, p.Phe1234Ser (NM_001308334.3); c.3737T>C, p.Phe1246Ser (NM_001330538.2); short protein forms F1200S, F1280S, F1246S, F1234S.
Identifiers: ClinVar variation 319647 (VCV000319647.15), dbSNP rs377402117, ClinGen allele CA8057138.